The following is an entry in ClinVar:

ClinVar aggregate classification (germline): Benign (1 of 4 stars; one submission).

Allele frequency attached by ClinVar (database versions not stated): TOPMed 0.00004; gnomAD 0.00005 and 0.00007.
gnomAD v4.1: 61 of 867,226 alleles (0.007%); highest among the groups gnomAD compares: Admixed American, 0.011%; no homozygotes.

Submission:

GeneDx
Classification: Benign. Last evaluated: 2014-03-14. Review status: criteria provided, single submitter. Criteria: GeneDx Variant Classification (06012015). Collection method: clinical testing. Allele origin: germline. Affected: yes.
Comment: This variant is considered likely benign or benign based on one or more of the following criteria: it is a conservative change, it occurs at a poorly conserved position in the protein, it is predicted to be benign by multiple in silico algorithms, and/or has population frequency not consistent with disease.

NM_001037.5(SCN1B):c.-40C>G

Gene: SCN1B (sodium voltage-gated channel beta subunit 1; plus strand). Cytogenetic location: 19q13.11.
Variant type: single nucleotide variant.
Coding change: c.-40C>G on transcript NM_001037.5 (MANE Select); 40 bases upstream of the start codon, C replaced by G.
Molecular consequence: 5 prime UTR variant.
Genome position (GRCh38, 1-based): chr19:35,030,781, C>G. VCF-style: chr19-35030781-C-G. GRCh37 (hg19) VCF-style: chr19-35521685-C-G.
Other names: c.-40C>G (NM_199037.5).
Identifiers: ClinVar variation 139001 (VCV000139001.1), dbSNP rs587781150, ClinGen allele CA293226.